The following is an entry in ClinVar:

ClinVar aggregate classification (germline): Likely benign. Review status: criteria provided, multiple submitters, no conflicts (2 of 4 stars). 2 submissions from 2 submitters: Likely benign (2). Last evaluated 2025-08-15.

Conditions:
Charcot-Marie-Tooth disease axonal type 2O. Also called: CHARCOT-MARIE-TOOTH NEUROPATHY, AXONAL, TYPE 2O; CHARCOT-MARIE-TOOTH DISEASE, AXONAL, AUTOSOMAL DOMINANT, TYPE 2O; Charcot-Marie-Tooth Neuropathy Type 2O; Charcot-Marie-Tooth disease, axonal, type 20. Identifiers: Orphanet 284232, MedGen C3280220, MONDO:0013644, OMIM 614228.

Allele frequency attached by ClinVar (database versions not stated): gnomAD 0.00001; gnomAD exomes 0.00001 and 0.00002; ExAC 0.00002; TOPMed 0.00002.
gnomAD v4.1: 12 of 1,613,682 alleles (0.00074%); highest among the groups gnomAD compares: Non-Finnish European, 0.001%; no homozygotes.

Submissions (2):

Labcorp Genetics (formerly Invitae), Labcorp
Classification: Likely benign for Charcot-Marie-Tooth disease axonal type 2O. Last evaluated: 2025-08-15. Review status: criteria provided, single submitter. Criteria: Invitae Variant Classification Sherloc (09022015). Collection method: clinical testing. Allele origin: germline.

Mayo Clinic Laboratories, Mayo Clinic
Classification: Likely benign. Last evaluated: 2025-05-07. Review status: criteria provided, single submitter. Criteria: ACMG Guidelines, 2015. Collection method: clinical testing. Allele origin: germline. Observed: 1 variant allele.
Comment: BS2, BP4, BP7

NM_001376.5(DYNC1H1):c.8772-7G>A

Gene: DYNC1H1 (dynein cytoplasmic 1 heavy chain 1; plus strand). Cytogenetic location: 14q32.31.
Variant type: single nucleotide variant.
Coding change: c.8772-7G>A on transcript NM_001376.5 (MANE Select); 7 bases into the intron before coding-DNA position 8772, G replaced by A.
Molecular consequence: intron variant.
Genome position (GRCh38, 1-based): chr14:102,027,167, G>A. VCF-style: chr14-102027167-G-A. GRCh37 (hg19) VCF-style: chr14-102493504-G-A.
Other names: p.?.
Identifiers: ClinVar variation 539831 (VCV000539831.12), dbSNP rs758936427, ClinGen allele CA7353120.